The following is an entry in ClinVar:

ClinVar aggregate classification (germline): Conflicting classifications of pathogenicity. Review status: criteria provided, conflicting classifications (1 of 4 stars). 4 submissions from 4 submitters: Uncertain significance (2); Likely benign (1). 1 of the submissions does not count toward it. Last evaluated 2025-10-17.

Conditions:
Seckel syndrome 7 (SCKL7). Identifiers: Orphanet 319675, MedGen C3553870, MONDO:0013922, OMIM 614851.

Allele frequency attached by ClinVar (database versions not stated): TOPMed 0.00010; gnomAD exomes 0.00014 and 0.00030; ExAC 0.00023; gnomAD 0.00006 and 0.00005.
gnomAD v4.1: 93 of 1,614,050 alleles (0.0058%); highest among the groups gnomAD compares: Admixed American, 0.15%; no homozygotes.

Submissions (4):

Labcorp Genetics (formerly Invitae), Labcorp
Classification: Likely benign. Last evaluated: 2025-10-17. Review status: criteria provided, single submitter. Criteria: Invitae Variant Classification Sherloc (09022015). Collection method: clinical testing. Allele origin: germline.

Women's Health and Genetics/Laboratory Corporation of America, LabCorp
Classification: Uncertain significance. Last evaluated: 2023-11-15. Review status: criteria provided, single submitter. Criteria: LabCorp Variant Classification Summary - May 2015. Collection method: clinical testing. Allele origin: germline.
Comment: Variant summary: NIN c.5126A>G (p.Asn1709Ser) results in a conservative amino acid change in the encoded protein sequence. Four of five in-silico tools predict a benign effect of the variant on protein function. The variant allele was found at a frequency of 0.0003 in 251416 control chromosomes. c.5126A>G has been reported in the literature in at least two compound heterozygous siblings affected with Seckel Syndrome 7 (Dauber_2012). These data indicate that the variant may be associated with disease. To our knowledge, no experimental evidence demonstrating an impact on protein function has been reported. The following publication has been ascertained in the context of this evaluation (PMID: 22933543). Two submitters have cited clinical-significance assessments for this variant to ClinVar after 2014; one submitter classified the variant as likely benign, and one submitter classified the variant as uncertain significance. Based on the evidence outlined above, the variant was classified as uncertain significance.

Baylor Genetics
Classification: Uncertain significance for Seckel syndrome 7. Last evaluated: 2018-02-05. Review status: criteria provided, single submitter. Criteria: ACMG Guidelines, 2015. Collection method: clinical testing. Allele origin: paternal. Affected: yes.
Comment: This variant was determined to be of uncertain significance according to ACMG Guidelines, 2015 [PMID:25741868].

OMIM
Classification: Pathogenic for SECKEL SYNDROME 7. Last evaluated: 2012-11-01. Review status: no assertion criteria provided. Collection method: literature only. Allele origin: germline. Not counted in ClinVar's aggregate classification.

Literature cited by the submitters: PubMed 22933543 (cited by Women's Health and Genetics/Laboratory Corporation of America, LabCorp and OMIM).

NM_020921.4(NIN):c.5126A>G (p.Asn1709Ser)

Genes: NIN (ninein; minus strand), LOC126861936 (BRD4-independent group 4 enhancer GRCh37_chr14:51210620-51211819; plus strand). Cytogenetic location: 14q22.1.
Variant type: single nucleotide variant.
Coding change: c.5126A>G on transcript NM_020921.4 (MANE Select); coding-DNA position 5126, A replaced by G.
Protein change: p.Asn1709Ser; replaces asparagine 1709 with serine.
Molecular consequence: missense variant.
Genome position (GRCh38, 1-based): chr14:50,744,304, T>C on the plus strand (A>G on the coding strand, the complement: NIN is on the minus strand). VCF-style: chr14-50744304-T-C. GRCh37 (hg19) VCF-style: chr14-51211022-T-C.
Other names: c.2987A>G, p.Asn996Ser (NM_016350.5); c.5126A>G, p.Asn1709Ser (NM_182944.3, NM_182946.2); short protein forms N1709S, N996S.
Identifiers: ClinVar variation 37291 (VCV000037291.8), dbSNP rs387907308, ClinGen allele CA130147.